The following is an entry in ClinVar:

ClinVar aggregate classification (germline): Benign (1 of 4 stars; one submission).

Allele frequency attached by ClinVar (database versions not stated): gnomAD exomes 0.00206; gnomAD 0.02146 and 0.02291; TOPMed 0.02429; 1000 Genomes Project 0.02496; 1000 Genomes Project 30x 0.02951.
gnomAD v4.1: 6,223 of 1,533,130 alleles (0.41%); highest among the groups gnomAD compares: African/African-American, 7.5%; 230 homozygotes.

Submission:

GeneDx
Classification: Benign. Last evaluated: 2018-06-16. Review status: criteria provided, single submitter. Criteria: GeneDx Variant Classification (06012015). Collection method: clinical testing. Allele origin: germline. Affected: yes.
Comment: This variant is considered likely benign or benign based on one or more of the following criteria: it is a conservative change, it occurs at a poorly conserved position in the protein, it is predicted to be benign by multiple in silico algorithms, and/or has population frequency not consistent with disease.

NM_203447.4(DOCK8):c.895-60A>G

Gene: DOCK8 (dedicator of cytokinesis 8; plus strand). Cytogenetic location: 9p24.3.
Variant type: single nucleotide variant.
Coding change: c.895-60A>G on transcript NM_203447.4 (MANE Select); 60 bases into the intron before coding-DNA position 895, A replaced by G.
Molecular consequence: intron variant.
Genome position (GRCh38, 1-based): chr9:327,962, A>G. VCF-style: chr9-327962-A-G. GRCh37 (hg19) VCF-style: chr9-327962-A-G.
Other names: c.691-60A>G (NM_001193536.2, NM_001190458.2).
Identifiers: ClinVar variation 675138 (VCV000675138.1), dbSNP rs78125751, ClinGen allele CA187750736.
Genomic context (GRCh38, chr9:327,962, plus strand): 5'-TGATTATTACACTTACTCCTTCAGCAAAATTTCTCTGTGGTGTTTTTACTCCTTTTTAAC[A>G]TGTTTAAACCATGAATGCAACAGGTCTAACTTATATTTCACTTTGCTGCTCATTTACAGA-3'